The following is an entry in ClinVar:

NM_001551.3(IGBP1):c.27G>T (p.Leu9=)

Genes: IGBP1 (immunoglobulin binding protein 1; plus strand), LOC130068396 (ATAC-STARR-seq lymphoblastoid active region 29728; plus strand). Cytogenetic location: Xq13.1.
Variant type: single nucleotide variant.
Coding change: c.27G>T on transcript NM_001551.3 (MANE Select); coding-DNA position 27, G replaced by T.
Protein change: p.Leu9=; no amino-acid change (leucine 9 retained).
Molecular consequence: synonymous variant.
Genome position (GRCh38, 1-based): chrX:70,133,974, G>T. VCF-style: chrX-70133974-G-T. GRCh37 (hg19) VCF-style: chrX-69353824-G-T.
Other names: c.27G>T, p.Leu9= (NM_001370193.1, NM_001370194.1, NM_001370192.1).
Identifiers: ClinVar variation 1337237 (VCV001337237.29), dbSNP rs2085078922, ClinGen allele CA517019919.

ClinVar aggregate classification (germline): Conflicting classifications of pathogenicity. Review status: criteria provided, conflicting classifications (1 of 4 stars). 3 submissions from 3 submitters: Uncertain significance (1); Likely benign (2). Last evaluated 2024-06-11.

Allele frequency attached by ClinVar (database versions not stated): TOPMed below 0.00001; gnomAD 0.00001; gnomAD exomes 0.00001.
gnomAD v4.1: 8 of 1,210,093 alleles (0.00066%); highest among the groups gnomAD compares: Non-Finnish European, 0.00089%; no homozygotes.

Submissions (3):

Blueprint Genetics
Classification: Likely benign. Last evaluated: 2024-06-11. Review status: criteria provided, single submitter. Criteria: ACMG Guidelines, 2015. Collection method: clinical testing. Allele origin: germline.

CeGaT Center for Human Genetics Tuebingen
Classification: Likely benign. Last evaluated: 2022-03-01. Review status: criteria provided, single submitter. Criteria: CeGaT Center For Human Genetics Tuebingen Variant Classification Criteria Version 2. Collection method: clinical testing. Allele origin: germline. Affected: yes. Observed: 1 variant allele.
Comment: IGBP1: BP4, BP7

Genetic Services Laboratory, University of Chicago
Classification: Uncertain significance. Last evaluated: 2019-06-25. Review status: criteria provided, single submitter. Criteria: ACMG Guidelines, 2015. Collection method: clinical testing. Allele origin: germline. Affected: no.